The following is an entry in ClinVar:

NM_006514.4(SCN10A):c.1118A>G (p.Tyr373Cys)

Gene: SCN10A (sodium voltage-gated channel alpha subunit 10; minus strand). Cytogenetic location: 3p22.2.
Variant type: single nucleotide variant.
Coding change: c.1118A>G on transcript NM_006514.4 (MANE Select); coding-DNA position 1118, A replaced by G.
Protein change: p.Tyr373Cys; replaces tyrosine 373 with cysteine.
Molecular consequence: missense variant.
Genome position (GRCh38, 1-based): chr3:38,756,846, T>C on the plus strand (A>G on the coding strand, the complement: SCN10A is on the minus strand). VCF-style: chr3-38756846-T-C. GRCh37 (hg19) VCF-style: chr3-38798337-T-C.
Other names: c.1118A>G, p.Tyr373Cys (NM_001293306.2, NM_001293307.2); short protein forms Y373C.
Identifiers: ClinVar variation 642341 (VCV000642341.13), dbSNP rs147835034, ClinGen allele CA2320952.

ClinVar aggregate classification (germline): Conflicting classifications of pathogenicity. Review status: criteria provided, conflicting classifications (1 of 4 stars). 5 submissions from 5 submitters: Uncertain significance (3); Likely benign (2). Last evaluated 2026-06-17.

Conditions:
Cardiovascular phenotype. Identifiers: MedGen CN230736.
SCN10A-related disorder. Also called: SCN10A-related condition.
Brugada syndrome. Also called: Sudden Unexplained Nocturnal Death Syndrome (SUNDS); Sudden unexpected nocturnal death syndrome; Sudden Unexplained Death Syndrome; Sudden unexplained nocturnal death syndrome. Identifiers: Orphanet 130, MedGen C1142166, MONDO:0015263.

Allele frequency attached by ClinVar (database versions not stated): gnomAD exomes 0.00004; ExAC 0.00007; ESP Exome Variant Server 0.00015; TOPMed 0.00015; 1000 Genomes Project 30x 0.00016; gnomAD 0.00018 and 0.00019; 1000 Genomes Project 0.00020.
gnomAD v4.1: 45 of 1,614,160 alleles (0.0028%); highest among the groups gnomAD compares: African/African-American, 0.051%; no homozygotes.

Submissions (5):

Women's Health and Genetics/Laboratory Corporation of America, LabCorp
Classification: Uncertain significance. Last evaluated: 2026-06-17. Review status: criteria provided, single submitter. Criteria: LabCorp Variant Classification Summary - May 2015. Collection method: clinical testing. Allele origin: germline.
Comment: Variant summary: SCN10A c.1118A>G (p.Tyr373Cys) results in a non-conservative amino acid change in the encoded protein sequence. Algorithms developed to predict the effect of missense changes on protein structure and function all suggest that this variant is likely to be disruptive. The variant allele was found at a frequency of 4.4e-05 in 251338 control chromosomes. This frequency is not significantly higher than estimated for disease-causing variants in SCN10A, allowing no conclusion about variant significance. To our knowledge, no occurrence of c.1118A>G in individuals affected with SCN10A-related conditions and no experimental evidence demonstrating its impact on protein function have been reported. ClinVar contains an entry for this variant (Variation ID: 642341). Based on the evidence outlined above, the variant was classified as uncertain significance.

PreventionGenetics, part of Exact Sciences
Classification: Likely benign for SCN10A-related condition. Last evaluated: 2025-12-29. Review status: criteria provided, single submitter. Criteria: ACMG Guidelines, 2015. Collection method: clinical testing. Allele origin: germline.
Comment: This variant is classified as likely benign based on ACMG/AMP sequence variant interpretation guidelines (Richards et al. 2015 PMID: 25741868, with internal and published modifications).

Labcorp Genetics (formerly Invitae), Labcorp
Classification: Uncertain significance for Brugada syndrome. Last evaluated: 2025-11-05. Review status: criteria provided, single submitter. Criteria: Invitae Variant Classification Sherloc (09022015). Collection method: clinical testing. Allele origin: germline.
Comment: This sequence change replaces tyrosine, which is neutral and polar, with cysteine, which is neutral and slightly polar, at codon 373 of the SCN10A protein (p.Tyr373Cys). This variant is present in population databases (rs147835034, gnomAD 0.06%). This variant has not been reported in the literature in individuals affected with SCN10A-related conditions. ClinVar contains an entry for this variant (Variation ID: 642341). Invitae Evidence Modeling of protein sequence and biophysical properties (such as structural, functional, and spatial information, amino acid conservation, physicochemical variation, residue mobility, and thermodynamic stability) indicates that this missense variant is not expected to disrupt SCN10A protein function with a negative predictive value of 80%. In summary, the available evidence is currently insufficient to determine the role of this variant in disease. Therefore, it has been classified as a Variant of Uncertain Significance.

GeneDx
Classification: Uncertain significance. Last evaluated: 2021-09-28. Review status: criteria provided, single submitter. Criteria: GeneDx Variant Classification Process June 2021. Collection method: clinical testing. Allele origin: germline. Affected: yes.
Comment: Has not been previously published as pathogenic or benign to our knowledge; In silico analysis supports that this missense variant has a deleterious effect on protein structure/function; Reported in ClinVar as a variant of uncertain significance (ClinVar Variant ID# 642341; Landrum et al., 2016)

Ambry Genetics
Classification: Likely benign for Cardiovascular phenotype. Last evaluated: 2020-01-29. Review status: criteria provided, single submitter. Criteria: Ambry Variant Classification Scheme 2023. Collection method: clinical testing. Allele origin: germline.